The following is an entry in ClinVar:

NC_000017.10:g.(?_66508520)_(66508699_?)del

Gene: PRKAR1A (protein kinase cAMP-dependent type I regulatory subunit alpha; plus strand). Cytogenetic location: 17q24.2.
Variant type: Deletion.
Identifiers: ClinVar variation 2424525 (VCV002424525.3).

ClinVar aggregate classification (germline): Uncertain significance (1 of 4 stars; one submission).

Conditions:
Carney complex, type 1 (CNC1). Also called: CARNEY MYXOMA-ENDOCRINE COMPLEX; CARNEY COMPLEX, TYPE I. Identifiers: Orphanet 1359, MedGen C2607929, MONDO:0008057, OMIM 160980.

Submission:

Labcorp Genetics (formerly Invitae), Labcorp
Classification: Uncertain significance for Carney complex, type 1. Last evaluated: 2022-06-29. Review status: criteria provided, single submitter. Criteria: Invitae Variant Classification Sherloc (09022015). Collection method: clinical testing. Allele origin: germline.
Comment: In summary, the available evidence is currently insufficient to determine the role of this variant in disease. Therefore, it has been classified as a Variant of Uncertain Significance. Experimental studies and prediction algorithms are not available or were not evaluated, and the functional significance of this variant is currently unknown. A similar copy number variant has been observed in individuals with Carney complex (PMID: 18223213, 24170103). This variant is a gross deletion that occurs in a non-coding region of the PRKAR1A gene. It does not change the encoded amino acid sequence of the PRKAR1A protein.

Literature cited by the submitters: PubMed 18223213; PubMed 24170103.